The following is an entry in ClinVar:

NM_001283009.2(RTEL1):c.994G>A (p.Val332Ile)

Genes: RTEL1 (regulator of telomere elongation helicase 1; plus strand), RTEL1-TNFRSF6B (RTEL1-TNFRSF6B readthrough (NMD candidate); plus strand). Cytogenetic location: 20q13.33.
Variant type: single nucleotide variant.
Coding change: c.994G>A on transcript NM_001283009.2 (MANE Select); coding-DNA position 994, G replaced by A.
Protein change: p.Val332Ile; replaces valine 332 with isoleucine.
Molecular consequence: missense variant. On other transcripts: non-coding transcript variant (1).
Genome position (GRCh38, 1-based): chr20:63,678,303, G>A. VCF-style: chr20-63678303-G-A. GRCh37 (hg19) VCF-style: chr20-62309656-G-A.
Other names: c.325G>A, p.Val109Ile (NM_001283010.1); c.994G>A, p.Val332Ile (NM_016434.4); c.1066G>A, p.Val356Ile (NM_032957.5); short protein forms V356I, V109I, V332I.
Identifiers: ClinVar variation 4794487 (VCV004794487.1).

ClinVar aggregate classification (germline): Uncertain significance (1 of 4 stars; one submission).

Conditions:
Pulmonary fibrosis and/or bone marrow failure, Telomere-related, 3. Also called: PULMONARY FIBROSIS AND/OR BONE MARROW FAILURE SYNDROME, TELOMERE-RELATED, 3. Identifiers: Orphanet 2032, MedGen C4225346, MONDO:0014613, OMIM 616373.
Dyskeratosis congenita, autosomal recessive 5 (DKCB5). Identifiers: MedGen C3554656, MONDO:0014076, OMIM 615190.

Submission:

Labcorp Genetics (formerly Invitae), Labcorp
Classification: Uncertain significance for Dyskeratosis congenita, autosomal recessive 5; Pulmonary fibrosis and/or bone marrow failure, Telomere-related, 3. Last evaluated: 2025-03-04. Review status: criteria provided, single submitter. Criteria: Invitae Variant Classification Sherloc (09022015). Collection method: clinical testing. Allele origin: germline.
Comment: This sequence change replaces valine, which is neutral and non-polar, with isoleucine, which is neutral and non-polar, at codon 332 of the RTEL1 protein (p.Val332Ile). This variant is not present in population databases (gnomAD no frequency). This variant has not been reported in the literature in individuals affected with RTEL1-related conditions. An algorithm developed to predict the effect of missense changes on protein structure and function outputs the following: PolyPhen-2: "Benign". The isoleucine amino acid residue is found in multiple mammalian species, which suggests that this missense change does not adversely affect protein function. In summary, the available evidence is currently insufficient to determine the role of this variant in disease. Therefore, it has been classified as a Variant of Uncertain Significance.